The following is an entry in ClinVar:

ClinVar aggregate classification (germline): Uncertain significance (1 of 4 stars; one submission).

Submission:

Kariminejad - Najmabadi Pathology & Genetics Center
Classification: Uncertain significance. Last evaluated: 2017-12-31. Review status: criteria provided, single submitter. Criteria: ACMG Guidelines, 2015. Collection method: clinical testing. Allele origin: germline. Inheritance: X-linked inheritance. Affected: yes.
Comment: PM2, PP3, BP1

NM_004006.3(DMD):c.10604G>C (p.Gly3535Ala)

Gene: DMD (dystrophin; minus strand). Cytogenetic location: Xp21.2.
Variant type: single nucleotide variant.
Coding change: c.10604G>C on transcript NM_004006.3 (MANE Select); coding-DNA position 10604, G replaced by C.
Protein change: p.Gly3535Ala; replaces glycine 3535 with alanine.
Molecular consequence: missense variant.
Genome position (GRCh38, 1-based): chrX:31,147,468, C>G on the plus strand (G>C on the coding strand, the complement: DMD is on the minus strand). VCF-style: chrX-31147468-C-G. GRCh37 (hg19) VCF-style: chrX-31165585-C-G.
Other names: c.10580G>C, p.Gly3527Ala (NM_000109.4); c.10592G>C, p.Gly3531Ala (NM_004009.3); c.10235G>C, p.Gly3412Ala (NM_004010.3); c.6581G>C, p.Gly2194Ala (NM_004011.4); c.6572G>C, p.Gly2191Ala (NM_004012.4); c.3224G>C, p.Gly1075Ala (NM_004013.3, NM_004021.3); c.2417G>C, p.Gly806Ala (NM_004014.3); c.1400G>C, p.Gly467Ala (NM_004015.3, NM_004016.3); and 3 more; short protein forms G1062A, G1075A, G2191A, G2194A, G3412A, G3527A, G3531A, G3535A.
Identifiers: ClinVar variation 3896836 (VCV003896836.1).